The following is an entry in ClinVar:

NM_001302998.2(LIPI):c.812T>C (p.Ile271Thr)

Gene: LIPI (lipase I; minus strand). Cytogenetic location: 21q11.2.
Variant type: single nucleotide variant.
Coding change: c.812T>C on transcript NM_001302998.2 (MANE Select); coding-DNA position 812, T replaced by C.
Protein change: p.Ile271Thr; replaces isoleucine 271 with threonine.
Molecular consequence: missense variant. On other transcripts: intron variant (1).
Genome position (GRCh38, 1-based): chr21:14,165,312, A>G on the plus strand (T>C on the coding strand, the complement: LIPI is on the minus strand). VCF-style: chr21-14165312-A-G. GRCh37 (hg19) VCF-style: chr21-15537633-A-G.
Other names: c.722T>C, p.Ile241Thr (NM_001302999.2); c.812T>C, p.Ile271Thr (NM_001303000.2, NM_001303001.2); c.317T>C, p.Ile106Thr (NM_001379566.1); c.677T>C, p.Ile226Thr (NM_198996.4); c.734-27T>C (NM_001379565.1); short protein forms I226T, I271T, I106T, I241T.
Identifiers: ClinVar variation 4706800 (VCV004706800.1).

ClinVar aggregate classification (germline): Uncertain significance (1 of 4 stars; one submission).

gnomAD v4.1: 24 of 1,612,344 alleles (0.0015%); highest among the groups gnomAD compares: South Asian, 0.024%; no homozygotes.

Submission:

Labcorp Genetics (formerly Invitae), Labcorp
Classification: Uncertain significance. Last evaluated: 2025-12-20. Review status: criteria provided, single submitter. Criteria: Invitae Variant Classification Sherloc (09022015). Collection method: clinical testing. Allele origin: germline.
Comment: This sequence change replaces isoleucine, which is neutral and non-polar, with threonine, which is neutral and polar, at codon 292 of the LIPI protein (p.Ile292Thr). This variant is present in population databases (rs765151672, gnomAD 0.02%). This variant has not been reported in the literature in individuals affected with LIPI-related conditions. An algorithm developed to predict the effect of missense changes on protein structure and function outputs the following: PolyPhen-2: "Benign". The threonine amino acid residue is found in multiple mammalian species, which suggests that this missense change does not adversely affect protein function. In summary, the available evidence is currently insufficient to determine the role of this variant in disease. Therefore, it has been classified as a Variant of Uncertain Significance.